The following is an entry in ClinVar:

ClinVar aggregate classification (germline): Benign/Likely benign. Review status: criteria provided, multiple submitters, no conflicts (2 of 4 stars). 5 submissions from 5 submitters: Benign (2); Likely benign (3). Last evaluated 2025-10-01.

Conditions:
Hereditary cancer-predisposing syndrome. Also called: Tumor predisposition; Hereditary Cancer Syndrome; Neoplastic Syndromes, Hereditary; Hereditary neoplastic syndrome. Identifiers: Orphanet 140162, MedGen C0027672, MeSH D009386, MONDO:0015356.
Tuberous sclerosis syndrome (TSC). Also called: Tuberous sclerosis; Tuberous Sclerosis Complex. Identifiers: Orphanet 805, MedGen C0041341, MONDO:0001734.
Tuberous sclerosis 2 (TSC2). Identifiers: Orphanet 805, MedGen C1860707, MONDO:0013199, OMIM 613254.

Allele frequency attached by ClinVar (database versions not stated): TOPMed 0.00001; 1000 Genomes Project 30x 0.00016.
gnomAD v4.1: 4 of 1,613,876 alleles (0.00025%); highest among the groups gnomAD compares: Non-Finnish European, 0.00034%; no homozygotes.

Submissions (5):

Labcorp Genetics (formerly Invitae), Labcorp
Classification: Likely benign for Tuberous sclerosis 2. Last evaluated: 2025-10-01. Review status: criteria provided, single submitter. Criteria: Invitae Variant Classification Sherloc (09022015). Collection method: clinical testing. Allele origin: germline.

Myriad Genetics, Inc.
Classification: Benign for Tuberous sclerosis 2. Last evaluated: 2025-05-15. Review status: criteria provided, single submitter. Criteria: Myriad Autosomal Dominant, Autosomal Recessive and X-Linked Classification Criteria (2023). Collection method: clinical testing. Allele origin: unknown.
Comment: This variant is considered benign. This variant is a silent/synonymous amino acid change and it is not expected to impact splicing.

All of Us Research Program, National Institutes of Health
Classification: Likely benign for Tuberous sclerosis syndrome. Last evaluated: 2024-04-25. Review status: criteria provided, single submitter. Criteria: ACMG Guidelines, 2015. Collection method: clinical testing. Allele origin: germline. Inheritance: Autosomal dominant inheritance. Observed: 1 variant allele, 1 heterozygote.
Comment: This study involves interpretation of variants in research participants for the purpose of population health screening. Participant phenotype was not available at the time of variant classification. Additional details can be found in publication PMID: 35346344, PMCID: PMC8962531

Genome-Nilou Lab
Classification: Benign for Tuberous sclerosis 2. Last evaluated: 2021-11-07. Review status: criteria provided, single submitter. Criteria: ACMG Guidelines, 2015. Collection method: clinical testing. Allele origin: germline. Affected: no.

Ambry Genetics
Classification: Likely benign for Hereditary cancer-predisposing syndrome. Last evaluated: 2019-06-25. Review status: criteria provided, single submitter. Criteria: Ambry Variant Classification Scheme 2023. Collection method: clinical testing. Allele origin: germline.

NM_000548.5(TSC2):c.1653C>G (p.Ala551=)

Gene: TSC2 (TSC complex subunit 2; plus strand). Cytogenetic location: 16p13.3.
Variant type: single nucleotide variant.
Coding change: c.1653C>G on transcript NM_000548.5 (MANE Select); coding-DNA position 1653, C replaced by G.
Protein change: p.Ala551=; no amino-acid change (alanine 551 retained).
Molecular consequence: synonymous variant.
Genome position (GRCh38, 1-based): chr16:2,065,572, C>G. VCF-style: chr16-2065572-C-G. GRCh37 (hg19) VCF-style: chr16-2115573-C-G.
Other names: c.1542C>G, p.Ala514= (NM_001318827.2); c.1506C>G, p.Ala502= (NM_001318829.2); c.1653C>G, p.Ala551= (NM_001077183.3, NM_001114382.3, NM_001363528.2 and 3 more transcripts); c.1053C>G, p.Ala351= (NM_001318831.2); c.1686C>G, p.Ala562= (NM_001318832.2).
Identifiers: ClinVar variation 755276 (VCV000755276.19), dbSNP rs202171361, ClinGen allele CA032001.
Genomic context (GRCh38, chr16:2,065,572, plus strand): 5'-TTCAAAGGTGATGGCCCGCTCCCTCTCCCCACCCCCGGAGCTGGAAGAAAGGGATGTGGC[C>G]GCATACTCGGCCTCCTTGGAGGATGTGAAGACAGCCGTCCTGGGGCTTCTGGTCATCCTT-3'
Protein context (NP_000539.2, residues 541-561): PPPELEERDV[Ala551=]AYSASLEDVK